The following is an entry in ClinVar:

NC_000008.10:g.(?_27319146)_(28608383_?)dup

Genes: EXTL3 (exostosin like glycosyltransferase 3; plus strand), FBXO16 (F-box protein 16; minus strand), FZD3 (frizzled class receptor 3; plus strand), CLU (clusterin; minus strand), ELP3 (elongator acetyltransferase complex subunit 3; plus strand) and 10 more. Cytogenetic location: 8p21.2-21.1.
Variant type: Duplication.
Identifiers: ClinVar variation 1511682 (VCV001511682.5).

ClinVar aggregate classification (germline): Uncertain significance. Review status: criteria provided, single submitter (1 of 4 stars). 2 submissions from 1 submitter: Uncertain significance (1). 1 of the submissions does not count toward it. Last evaluated 2022-10-17.

Conditions:
Familial sleep-related hypermotor epilepsy. Also called: Autosomal Dominant Sleep-Related Hypermotor (Hyperkinetic) Epilepsy. Identifiers: Orphanet 98784, MedGen C3696898, MONDO:0000030.

Submissions (2):

Labcorp Genetics (formerly Invitae), Labcorp
Classification: Uncertain significance. Last evaluated: 2022-10-17. Review status: criteria provided, single submitter. Criteria: Invitae Variant Classification Sherloc (09022015). Collection method: clinical testing. Allele origin: germline.
Comment: A copy number gain of the genomic region encompassing the full coding sequence of the CHRNA2 gene has been identified. The boundaries of this event are unknown as they extend beyond the assayed region for this gene and therefore may encompass additional genes. As the precise location of this event is unknown, it may be in tandem or it may be located elsewhere in the genome. This variant has not been reported in the literature in individuals affected with CHRNA2-related conditions. A similar copy number variant has been observed in at least one individual who was not affected with CHRNA2-related conditions (Invitae). In summary, the available evidence is currently insufficient to determine the role of this variant in disease. Therefore, it has been classified as a Variant of Uncertain Significance.

Labcorp Genetics (formerly Invitae), Labcorp
Classification: Uncertain significance. Last evaluated: 2021-08-04. Review status: flagged submission. Criteria: Invitae Variant Classification Sherloc (09022015). Collection method: clinical testing. Allele origin: germline. Not counted in ClinVar's aggregate classification.
Comment: A copy number gain of the genomic region encompassing the full coding sequence of the EXTL3 gene has been identified. The boundaries of this event are unknown as they extend beyond the assayed region for this gene and therefore may encompass additional genes. As the precise location of this event is unknown, it may be in tandem or it may be located elsewhere in the genome. This variant has not been reported in the literature in individuals with EXTL3-related conditions. In summary, the available evidence is currently insufficient to determine the role of this variant in disease. Therefore, it has been classified as a Variant of Uncertain Significance.
ClinVar note: Reason: This record appears to be redundant with a more recent record from the same submitter.
ClinVar note: Notes: SCV002306617 appears to be redundant with SCV003794347.